The following is an entry in ClinVar:

NM_003320.5(TUB):c.128C>A (p.Pro43His)

Gene: TUB (TUB bipartite transcription factor; plus strand). Cytogenetic location: 11p15.4.
Variant type: single nucleotide variant.
Coding change: c.128C>A on transcript NM_003320.5; coding-DNA position 128, C replaced by A.
Protein change: p.Pro43His; replaces proline 43 with histidine.
Molecular consequence: missense variant. On other transcripts: intron variant (4).
Genome position (GRCh38, 1-based): chr11:8,039,001, C>A. VCF-style: chr11-8039001-C-A. GRCh37 (hg19) VCF-style: chr11-8060548-C-A.
Other names: c.56+19643C>A (NM_001440538.1, NM_001440539.1, NM_001440540.1 and 1 more transcripts); short protein forms P43H.
Identifiers: ClinVar variation 4993156 (VCV004993156.1).

ClinVar aggregate classification (germline): Uncertain significance (1 of 4 stars; one submission).

Conditions:
TUB-related disorder. Also called: TUB-related condition.

gnomAD v4.1: 1 of 1,613,720 alleles (0.000062%); highest among the groups gnomAD compares: South Asian, 0.0011%; no homozygotes.

Submission:

PreventionGenetics, part of Exact Sciences
Classification: Uncertain significance for TUB-related condition. Last evaluated: 2026-08-24. Review status: criteria provided, single submitter. Criteria: ACMG Guidelines, 2015. Collection method: clinical testing. Allele origin: germline.
Comment: The TUB c.128C>A variant is predicted to result in the amino acid substitution p.Pro43His. To our knowledge, this variant has not been reported in the literature or in a large population database (gnomAD), indicating this variant is rare. At this time, the clinical significance of this variant is uncertain due to the absence of conclusive functional and genetic evidence.